The following is an entry in ClinVar:

ClinVar aggregate classification (germline): Pathogenic (1 of 4 stars; one submission).

Conditions:
Familial renal glucosuria (GLYS). Also called: RENAL GLUCOSURIA, AUTOSOMAL DOMINANT; Familial renal glycosuria. Identifiers: Orphanet 69076, MedGen C3245525, MONDO:0009297, OMIM 233100.

Submission:

MVZ Medizinische Genetik Mainz
Classification: Pathogenic for Familial renal glucosuria. Last evaluated: 2026-10-06. Review status: criteria provided, single submitter. Criteria: UK Practice Guidelines For Variant Classification V4 01 2020. Collection method: clinical testing. Allele origin: germline. Inheritance: Autosomal recessive inheritance. Affected: yes. Observed: 1 variant allele.
Comment: ACMG Criteria: PVS1,PM2_SUP,PP4

NM_003041.4(SLC5A2):c.412del (p.Ile138fs)

Gene: SLC5A2 (solute carrier family 5 member 2; plus strand). Cytogenetic location: 16p11.2.
Variant type: Deletion.
Coding change: c.412del on transcript NM_003041.4 (MANE Select); coding-DNA position 412, one base deleted (A; older notation c.412delA).
Protein change: p.Ile138fs; shifts the reading frame from isoleucine 138.
Molecular consequence: frameshift variant. On other transcripts: non-coding transcript variant (1).
Genome position (GRCh38, 1-based): chr16:31,485,837, A deleted. VCF-style (leftmost placement, unchanged base first): chr16-31485836-CA-C. GRCh37 (hg19) VCF-style: chr16-31497157-CA-C.
Other names: short protein forms I138fs.
Identifiers: ClinVar variation 5038167 (VCV005038167.1).
Genomic context (GRCh38, chr16:31,485,836, plus strand): 5'-CCTGACAGCGGGGGTCATCACGATGCCACAGTACCTGCGCAAGCGCTTCGGCGGCCGCCG[CA>C]TCCGCCTCTACCTGTCTGTGCTCTCCCTTTTCCTGTACATCTTCACCAAGATCTCAGTGA-3'